The following is an entry in ClinVar:

NM_006258.4(PRKG1):c.1963-16T>G

Gene: PRKG1 (protein kinase cGMP-dependent 1; plus strand). Cytogenetic location: 10q21.1.
Variant type: single nucleotide variant.
Coding change: c.1963-16T>G on transcript NM_006258.4 (MANE Select); 16 bases into the intron before coding-DNA position 1963, T replaced by G.
Molecular consequence: intron variant.
Genome position (GRCh38, 1-based): chr10:52,293,786, T>G. VCF-style: chr10-52293786-T-G. GRCh37 (hg19) VCF-style: chr10-54053546-T-G.
Other names: c.1918-16T>G (NM_001098512.3, LRG_1135t2); c.1963-16T>G (LRG_1135t1).
Identifiers: ClinVar variation 440195 (VCV000440195.21), dbSNP rs376174664, ClinGen allele CA5504000.

ClinVar aggregate classification (germline): Benign/Likely benign. Review status: criteria provided, multiple submitters, no conflicts (2 of 4 stars). 8 submissions from 8 submitters: Benign (3); Likely benign (3). 2 of the submissions do not count toward it. Last evaluated 2026-01-27.

Conditions:
Connective tissue disorder. Also called: Connective tissue disease. Identifiers: MedGen C0009782, MONDO:0003900.
Aortic aneurysm, familial thoracic 8 (AAT8). Identifiers: MedGen C3809513, MONDO:0014187, OMIM 615436.

Allele frequency attached by ClinVar (database versions not stated): ExAC 0.00037; gnomAD exomes 0.00040 and 0.00082; TOPMed 0.00042; gnomAD 0.00052; ESP Exome Variant Server 0.00069.
gnomAD v4.1: 1,241 of 1,598,792 alleles (0.078%); highest among the groups gnomAD compares: Non-Finnish European, 0.1%; 2 homozygotes.

Submissions (10):

Labcorp Genetics (formerly Invitae), Labcorp
Classification: Benign for Aortic aneurysm, familial thoracic 8. Last evaluated: 2026-01-27. Review status: criteria provided, single submitter. Criteria: Invitae Variant Classification Sherloc (09022015). Collection method: clinical testing. Allele origin: germline.

Blueprint Genetics
Classification: Likely benign. Last evaluated: 2024-10-11. Review status: criteria provided, single submitter. Criteria: ACMG Guidelines, 2015. Collection method: clinical testing. Allele origin: germline.

Women's Health and Genetics/Laboratory Corporation of America, LabCorp
Classification: Benign. Last evaluated: 2023-11-20. Review status: criteria provided, single submitter. Criteria: LabCorp Variant Classification Summary - May 2015. Collection method: clinical testing. Allele origin: germline.

ARUP Laboratories, Molecular Genetics and Genomics, ARUP Laboratories
Classification: Benign for Aortic aneurysm, familial thoracic 8. Last evaluated: 2023-08-24. Review status: criteria provided, single submitter. Criteria: ARUP Molecular Germline Variant Investigation Process 2024. Collection method: clinical testing. Allele origin: germline.

Center for Human Genetics, Inc
Classification: Likely benign for Connective tissue disorder. Last evaluated: 2018-06-01. Review status: criteria provided, single submitter. Criteria: ACMG Guidelines, 2015. Collection method: clinical testing. Allele origin: germline. Affected: yes.

GeneDx
Classification: Likely benign. Last evaluated: 2018-01-11. Review status: criteria provided, single submitter. Criteria: GeneDx Variant Classification (06012015). Collection method: clinical testing. Allele origin: germline. Affected: yes.
Comment: This variant is considered likely benign or benign based on one or more of the following criteria: it is a conservative change, it occurs at a poorly conserved position in the protein, it is predicted to be benign by multiple in silico algorithms, and/or has population frequency not consistent with disease.

Dr. Peter K. Rogan Lab, Western University
No classification provided (evidence only). Condition: Uterine corpus endometrial carcinoma. Review status: no classification provided. Collection method: in vitro. Allele origin: not applicable. Functional consequence: retained intron. Not counted in ClinVar's aggregate classification.

Dr. Peter K. Rogan Lab, Western University
No classification provided (evidence only). Condition: Cervical cancer. Review status: no classification provided. Collection method: in vitro. Allele origin: not applicable. Functional consequence: retained intron. Not counted in ClinVar's aggregate classification.

Genome Diagnostics Laboratory, Amsterdam University Medical Center
Classification: Likely benign. Review status: no assertion criteria provided. Collection method: clinical testing. Allele origin: germline. Affected: yes. Study: VKGL Data-share Consensus. Not counted in ClinVar's aggregate classification.

Genome Diagnostics Laboratory, University Medical Center Utrecht
Classification: Likely benign. Review status: no assertion criteria provided. Collection method: clinical testing. Allele origin: germline. Affected: yes. Study: VKGL Data-share Consensus. Not counted in ClinVar's aggregate classification.